The following is an entry in ClinVar:

NM_016929.5(CLIC5):c.192C>T (p.His64=)

Gene: CLIC5 (CLIC family member 5; minus strand). Cytogenetic location: 6p21.1.
Variant type: single nucleotide variant.
Coding change: c.192C>T on transcript NM_016929.5 (MANE Select); coding-DNA position 192, C replaced by T.
Protein change: p.His64=; no amino-acid change (histidine 64 retained).
Molecular consequence: synonymous variant.
Genome position (GRCh38, 1-based): chr6:45,949,363, G>A on the plus strand (C>T on the coding strand, the complement: CLIC5 is on the minus strand). VCF-style: chr6-45949363-G-A. GRCh37 (hg19) VCF-style: chr6-45917100-G-A.
Other names: c.669C>T, p.His223= (NM_001114086.2, NM_001370650.1); c.192C>T, p.His64= (NM_001256023.2); c.75C>T, p.His25= (NM_001370649.1).
Identifiers: ClinVar variation 666675 (VCV000666675.10), dbSNP rs770346363, ClinGen allele CA3836874.

ClinVar aggregate classification (germline): Likely benign. Review status: criteria provided, multiple submitters, no conflicts (2 of 4 stars). 4 submissions from 4 submitters: Likely benign (4). Last evaluated 2025-10-21.

Conditions:
CLIC5-related disorder. Also called: CLIC5-related condition.

Allele frequency attached by ClinVar (database versions not stated): gnomAD 0.00001; gnomAD exomes 0.00003 and 0.00002; TOPMed 0.00001; ExAC 0.00002.
gnomAD v4.1: 13 of 1,613,606 alleles (0.00081%); highest among the groups gnomAD compares: Admixed American, 0.022%; no homozygotes.

Submissions (4):

PreventionGenetics, part of Exact Sciences
Classification: Likely benign for CLIC5-related condition. Last evaluated: 2025-10-21. Review status: criteria provided, single submitter. Criteria: ACMG Guidelines, 2015. Collection method: clinical testing. Allele origin: germline.
Comment: This variant is classified as likely benign based on ACMG/AMP sequence variant interpretation guidelines (Richards et al. 2015 PMID: 25741868, with internal and published modifications).

Labcorp Genetics (formerly Invitae), Labcorp
Classification: Likely benign. Last evaluated: 2025-04-22. Review status: criteria provided, single submitter. Criteria: Invitae Variant Classification Sherloc (09022015). Collection method: clinical testing. Allele origin: germline.

GeneDx
Classification: Likely benign. Last evaluated: 2020-04-07. Review status: criteria provided, single submitter. Criteria: GeneDx Variant Classification Process June 2021. Collection method: clinical testing. Allele origin: germline. Affected: yes.

Laboratory for Molecular Medicine, Mass General Brigham Personalized Medicine
Classification: Likely benign. Last evaluated: 2017-08-23. Review status: criteria provided, single submitter. Criteria: LMM Criteria. Collection method: clinical testing. Allele origin: germline. Observed: 1 variant allele.
Comment: p.His223His in exon 3 of CLIC5: This variant is not expected to have clinical si gnificance because it does not alter an amino acid residue and is not located wi thin the splice consensus sequence. It has been identified in 0.03% (3/11574) of Latino chromosomes by the Exome Aggregation Consortium (ExAC; dbSNP rs770346363).